The following continues an entry in ClinVar:

NM_004415.4(DSP):c.242G>A (p.Cys81Tyr)

Gene: DSP. ClinVar aggregate classification (germline): Conflicting classifications of pathogenicity. Uncertain significance (13); Likely benign (3).

Submissions 7 to 16 of 16:

Fulgent Genetics
Classification: Uncertain significance for Arrhythmogenic cardiomyopathy with wooly hair and keratoderma; Arrhythmogenic right ventricular dysplasia 8; Lethal acantholytic epidermolysis bullosa; Keratosis palmoplantaris striata 2; Cardiomyopathy, dilated, with wooly hair, keratoderma, and tooth agenesis. Last evaluated: 2022-03-01. Review status: criteria provided, single submitter. Criteria: ACMG Guidelines, 2015. Collection method: clinical testing. Allele origin: unknown.

Victorian Clinical Genetics Services, Murdoch Childrens Research Institute
Classification: Uncertain significance for Arrhythmogenic right ventricular dysplasia 8. Last evaluated: 2022-02-02. Review status: criteria provided, single submitter. Criteria: ACMG Guidelines, 2015. Collection method: clinical testing. Allele origin: germline. Affected: yes.
Comment: Based on the classification scheme VCGS_Germline_v1.3.4, this variant is classified as VUS-3C. Following criteria are met: 0102 - Loss of function is a known mechanism of disease in this gene and is associated with ARVC (MIM#607450) and other DSP-related cardiac disorders. (I) 0108 - This gene is associated with both recessive and dominant disease. Variants in this gene are usually inherited in a dominant manner, however rare reports of recessive inheritance have resulted in a more severe cardiac phenotype (OMIM). (I) 0115 - Variants in this gene are known to have variable expressivity. Age-dependent penetrance and variable expressivity are well-described aspects of arrhythmogenic cardiomyopathy (PMID: 29062697). (I) 0200 - Variant is predicted to result in a missense amino acid change from cysteine to tyrosine. (I) 0251 - This variant is heterozygous. (I) 0302 - Variant is present in gnomAD (v2) <0.001 for a dominant condition (45 heterozygotes, 0 homozygotes). (SP) 0502 - Missense variant with conflicting in silico predictions and uninformative conservation. (I) 0600 - Variant is located in the annotated region which interacts with plakophilin 1 and junction plakoglobin (UniProt). (I) 0710 - Another missense variant comparable to the one identified in this case has inconclusive previous evidence for pathogenicity. The p.(Cys81Phe) variant has a VUS entry in ClinVar. (I) 0808 - Previous reports of pathogenicity for this variant are conflicting. This variant has been reported as a VUS in individuals with idiopathic ventricular fibrillation, HCM, DCM, LVNC, and left ventricular hypertrabeculation (PMID: 28087426, PMID: 30847666, PMID: 28798025, ClinVar). This variant has been identified in an individual with ARVC who had an additional PKP2 canonical splice variant (PMID: 20864495). This variant has also been identified in control individuals (PMID: 20864495) and has conflicting interpretations of pathogenicity in the LOVD database. (I) 0905 - No published segregation evidence has been identified for this variant. (I) 1007 - No published functional evidence has been identified for this variant. (I) 1208 - Inheritance information for this variant is not currently available in this individual. (I) Legend: (SP) - Supporting pathogenic, (I) - Information, (SB) - Supporting benign

Mayo Clinic Laboratories, Mayo Clinic
Classification: Uncertain significance. Last evaluated: 2021-10-22. Review status: criteria provided, single submitter. Criteria: ACMG Guidelines, 2015. Collection method: clinical testing. Allele origin: germline.

Ambry Genetics
Classification: Likely benign for Cardiovascular phenotype. Last evaluated: 2021-06-28. Review status: criteria provided, single submitter. Criteria: Ambry Variant Classification Scheme 2023. Collection method: clinical testing. Allele origin: germline.

Laboratory for Molecular Medicine, Mass General Brigham Personalized Medicine
Classification: Uncertain significance. Last evaluated: 2018-04-10. Review status: criteria provided, single submitter. Criteria: LMM Criteria. Collection method: clinical testing. Allele origin: germline. Observed: 1 variant allele.
Comment: proposed classification - variant undergoing re-assessment, contact laboratory

Illumina Laboratory Services, Illumina
Classification: Uncertain significance for Arrhythmogenic right ventricular dysplasia 8. Last evaluated: 2018-03-08. Review status: criteria provided, single submitter. Criteria: ICSL Variant Classification Criteria 13 December 2019. Collection method: clinical testing. Allele origin: germline.
Comment: This variant was observed as part of a predisposition screen in an ostensibly healthy population. A literature search was performed for the gene, cDNA change, and amino acid change (where applicable). Publications were found based on this search. However, the evidence from the literature, in combination with allele frequency data from public databases where available, was not sufficient to rule this variant in or out of causing disease. Therefore, this variant is classified as a variant of unknown significance.

Illumina Laboratory Services, Illumina
Classification: Uncertain significance for Arrhythmogenic cardiomyopathy with wooly hair and keratoderma. Last evaluated: 2018-03-08. Review status: criteria provided, single submitter. Criteria: ICSL Variant Classification Criteria 13 December 2019. Collection method: clinical testing. Allele origin: germline.
Comment: the same text as in the submission from Illumina Laboratory Services, Illumina above.

Illumina Laboratory Services, Illumina
Classification: Uncertain significance for Lethal acantholytic epidermolysis bullosa. Last evaluated: 2018-03-08. Review status: criteria provided, single submitter. Criteria: ICSL Variant Classification Criteria 13 December 2019. Collection method: clinical testing. Allele origin: germline.
Comment: the same text as in the submission from Illumina Laboratory Services, Illumina above.

CHEO Genetics Diagnostic Laboratory, Children's Hospital of Eastern Ontario
Classification: Uncertain significance for Cardiomyopathy. Last evaluated: 2017-04-21. Review status: criteria provided, single submitter. Criteria: ACMG Guidelines, 2015. Collection method: clinical testing. Allele origin: germline. Study: Canadian Open Genetics Repository.

CSER _CC_NCGL, University of Washington
Classification: Uncertain significance for Arrhythmogenic right ventricular dysplasia. Last evaluated: 2016-10-01. Review status: criteria provided, single submitter. Criteria: Amendola et al. (Genome Res. 2015). Collection method: research. Allele origin: germline. Affected: no. Study: CSER - NEXT Medicine variant annotation.
Comment: This interpretation considers GERP score and allele frequency data, in addition to published reports of the variant in the literature, available at the time of review.

Literature cited by the submitters: PubMed 28087426 (cited by 6 submitters); PubMed 28254189 (cited by 5 submitters); PubMed 28798025 (cited by 5 submitters); PubMed 20864495 (cited by 6 submitters); PubMed 31737537 (cited by Women's Health and Genetics/Laboratory Corporation of America, LabCorp and Ambry Genetics); PubMed 35819174 (cited by Women's Health and Genetics/Laboratory Corporation of America, LabCorp); PubMed 29062697 (cited by Victorian Clinical Genetics Services, Murdoch Childrens Research Institute); PubMed 30847666 (cited by Victorian Clinical Genetics Services, Murdoch Childrens Research Institute and Ambry Genetics).